The following is an entry in ClinVar:

NM_020461.4(TUBGCP6):c.4484+6_4484+7dup

Gene: TUBGCP6 (tubulin gamma complex component 6; minus strand). Cytogenetic location: 22q13.33.
Variant type: Duplication.
Coding change: c.4484+6_4484+7dup on transcript NM_020461.4 (MANE Select); bases 6 to 7 of the intron after coding-DNA position 4484, 2 bases duplicated (TG; older notation c.4484+6_4484+7dupTG).
Molecular consequence: intron variant.
Genome position (GRCh38, 1-based): chr22:50,219,281-50,219,282, CA duplicated on the plus strand (TG on the coding strand, the reverse complement: TUBGCP6 is on the minus strand); duplicating any 2 consecutive bases within chr22:50,219,281-50,219,283 gives the same sequence; the c. name uses the placement nearest the transcript's 3' end. VCF-style (leftmost placement, unchanged base first): chr22-50219280-G-GCA. GRCh37 (hg19) VCF-style: chr22-50657709-G-GCA.
Other names: c.4484+6_4484+7dupTG (NM_020461.3).
Identifiers: ClinVar variation 1572849 (VCV001572849.10), dbSNP rs769842885, ClinGen allele CA10307496.

ClinVar aggregate classification (germline): Likely benign. Review status: criteria provided, single submitter (1 of 4 stars). 2 submissions from 2 submitters: Likely benign (1). 1 of the submissions does not count toward it. Last evaluated 2025-04-08.

Conditions:
TUBGCP6-related disorder. Also called: TUBGCP6-related condition.

Submissions (2):

Labcorp Genetics (formerly Invitae), Labcorp
Classification: Likely benign. Last evaluated: 2025-04-08. Review status: criteria provided, single submitter. Criteria: Invitae Variant Classification Sherloc (09022015). Collection method: clinical testing. Allele origin: germline.

PreventionGenetics, part of Exact Sciences
Classification: Likely benign for TUBGCP6-related condition. Last evaluated: 2024-05-30. Review status: no assertion criteria provided. Collection method: clinical testing. Allele origin: germline. Not counted in ClinVar's aggregate classification.
Comment: This variant is classified as likely benign based on ACMG/AMP sequence variant interpretation guidelines (Richards et al. 2015 PMID: 25741868, with internal and published modifications).